The following is an entry in ClinVar:

ClinVar aggregate classification (germline): Uncertain significance. Review status: criteria provided, single submitter (1 of 4 stars). 2 submissions from 2 submitters: Uncertain significance (1). 1 of the submissions does not count toward it. Last evaluated 2015-11-20.

Conditions:
Alpha-1-antitrypsin deficiency (A1ATD). Also called: Alpha1-Antitrypsin Deficiency; AAT deficiency; A1AT deficiency. Identifiers: Orphanet 60, MedGen C0221757, MONDO:0013282, OMIM 613490.

Allele frequency attached by ClinVar (database versions not stated): gnomAD exomes below 0.00001; gnomAD 0.00001.
gnomAD v4.1: 2 of 1,609,904 alleles (0.00012%); highest among the groups gnomAD compares: Non-Finnish European, 0.00017%; no homozygotes.

Submissions (2):

HerediLab, Inc.
Classification: Uncertain significance for Alpha-1-antitrypsin deficiency. Last evaluated: 2015-11-20. Review status: criteria provided, single submitter. Criteria: HerediLab_Assertion_Criteria. Collection method: clinical testing. Allele origin: germline. Affected: yes.

Alpha-1 Group Trudzinski, Thoraxklinik Heidelberg
Classification: Likely pathogenic for Alpha-1-antitrypsin deficiency. Last evaluated: 2024-05-04. Review status: no assertion criteria provided. Collection method: clinical testing. Allele origin: germline. Inheritance: Codominant. Affected: yes. Observed: 2 heterozygotes. Clinical features observed: Emphysema (HP:0002097), Chronic obstructive pulmonary disease (HP:0006510), Hepatic steatosis (HP:0001397). Not counted in ClinVar's aggregate classification.
Comment: The majority of severe AATD cases are linked to the Z allele mutation (c.1096G>A (p.Glu366Lys); rs28929474) in the SERPINA1 gene, which accounts for over 95% of diagnosed cases (Rodriguez-Frias et al., 2012). However, clinical characterization of patients carrying rare SERPINA1 variants remains challenging, as current diagnostic algorithms are primarily designed to detect the most common mutations. This is particularly important given that more than 500 variants have been identified to date (Ferrarotti et al., 2024b; Wiesemann et al., 2023), and emerging evidence suggests that some rare mutations may pose a higher risk for severe AATD-related symptoms than previously recognized (Ferrarotti et al., 2024a).

Literature cited by the submitters: PubMed 22291048 (cited by Alpha-1 Group Trudzinski, Thoraxklinik Heidelberg); PubMed 38388492 (cited by Alpha-1 Group Trudzinski, Thoraxklinik Heidelberg); PubMed 36367950 (cited by Alpha-1 Group Trudzinski, Thoraxklinik Heidelberg); PubMed 39624947 (cited by Alpha-1 Group Trudzinski, Thoraxklinik Heidelberg).

NM_000295.5(SERPINA1):c.236T>A (p.Val79Glu)

Gene: SERPINA1 (serpin family A member 1; minus strand). Cytogenetic location: 14q32.13.
Variant type: single nucleotide variant.
Coding change: c.236T>A on transcript NM_000295.5 (MANE Select); coding-DNA position 236, T replaced by A.
Protein change: p.Val79Glu; replaces valine 79 with glutamic acid.
Molecular consequence: missense variant.
Genome position (GRCh38, 1-based): chr14:94,383,002, A>T on the plus strand (T>A on the coding strand, the complement: SERPINA1 is on the minus strand). VCF-style: chr14-94383002-A-T. GRCh37 (hg19) VCF-style: chr14-94849339-A-T.
Other names: c.236T>A, p.Val79Glu (NM_001002235.3, NM_001002236.3, NM_001127700.2 and 7 more transcripts); short protein forms V79E.
Identifiers: ClinVar variation 219359 (VCV000219359.2), dbSNP rs864622047, ClinGen allele CA349078.